The following is an entry in ClinVar:

NM_016219.5(MAN1B1):c.744T>C (p.Tyr248=)

Gene: MAN1B1 (mannosidase alpha class 1B member 1; plus strand). Cytogenetic location: 9q34.3.
Variant type: single nucleotide variant.
Coding change: c.744T>C on transcript NM_016219.5 (MANE Select); coding-DNA position 744, T replaced by C.
Protein change: p.Tyr248=; no amino-acid change (tyrosine 248 retained).
Molecular consequence: synonymous variant. On other transcripts: non-coding transcript variant (2).
Genome position (GRCh38, 1-based): chr9:137,099,709, T>C. VCF-style: chr9-137099709-T-C. GRCh37 (hg19) VCF-style: chr9-139994161-T-C.
Identifiers: ClinVar variation 365953 (VCV000365953.42), dbSNP rs138435910, ClinGen allele CA5358775.

ClinVar aggregate classification (germline): Benign/Likely benign. Review status: criteria provided, multiple submitters, no conflicts (2 of 4 stars). 4 submissions from 4 submitters: Benign (1); Likely benign (3). Last evaluated 2025-12-29.

Conditions:
Inborn genetic diseases. Identifiers: MedGen C0950123, MeSH D030342.
Rafiq syndrome (RAFQS). Identifiers: Orphanet 88616, MedGen C3280127, MONDO:0013624, OMIM 614202.

Allele frequency attached by ClinVar (database versions not stated): ESP Exome Variant Server 0.00038; TOPMed 0.00063; gnomAD exomes 0.00160 and 0.00309; gnomAD 0.00230 and 0.00247; 1000 Genomes Project 30x 0.00265; ExAC 0.00303; 1000 Genomes Project 0.00319.

Submissions (4):

Labcorp Genetics (formerly Invitae), Labcorp
Classification: Benign for Rafiq syndrome. Last evaluated: 2025-12-29. Review status: criteria provided, single submitter. Criteria: Invitae Variant Classification Sherloc (09022015). Collection method: clinical testing. Allele origin: germline.

CeGaT Center for Human Genetics Tuebingen
Classification: Likely benign. Last evaluated: 2023-04-01. Review status: criteria provided, single submitter. Criteria: CeGaT Center For Human Genetics Tuebingen Variant Classification Criteria Version 2. Collection method: clinical testing. Allele origin: germline. Affected: yes. Observed: 1 variant allele.
Comment: MAN1B1: BP4, BP7

Illumina Laboratory Services, Illumina
Classification: Likely benign for Rafiq syndrome. Last evaluated: 2018-01-12. Review status: criteria provided, single submitter. Criteria: ICSL Variant Classification Criteria 13 December 2019. Collection method: clinical testing. Allele origin: germline.
Comment: This variant was observed in the ICSL laboratory as part of a predisposition screen in an ostensibly healthy population. It had not been previously curated by ICSL or reported in the Human Gene Mutation Database (HGMD: prior to June 1st, 2018), and was therefore a candidate for classification through an automated scoring system. Utilizing variant allele frequency, disease prevalence and penetrance estimates, and inheritance mode, an automated score was calculated to assess if this variant is too frequent to cause the disease. Based on the score and internal cut-off values, a variant classified as likely benign is not then subjected to further curation. The score for this variant resulted in a classification of likely benign for this disease.

Ambry Genetics
Classification: Likely benign for Inborn genetic diseases. Last evaluated: 2016-09-07. Review status: criteria provided, single submitter. Criteria: Ambry Variant Classification Scheme 2023. Collection method: clinical testing. Allele origin: germline.